The following is an entry in ClinVar:

NM_000492.4(CFTR):c.1680-871_1680-870delinsGA

Gene: CFTR (CF transmembrane conductance regulator; plus strand). Cytogenetic location: 7q31.2.
Variant type: Indel.
Coding change: c.1680-871_1680-870delinsGA on transcript NM_000492.4 (MANE Select); 871 bases into the intron before coding-DNA position 1680 through 870 bases into the intron before coding-DNA position 1680, AT replaced by GA.
Molecular consequence: intron variant.
Genome position (GRCh38, 1-based): chr7:117,589,482-117,589,483, AT replaced by GA. VCF-style: chr7-117589482-AT-GA. GRCh37 (hg19) VCF-style: chr7-117229536-AT-GA.
Other names: p.?.
Identifiers: ClinVar variation 179355 (VCV000179355.14), dbSNP rs727504811, ClinGen allele CA210624.

ClinVar aggregate classification (germline): Conflicting classifications of pathogenicity. Review status: criteria provided, conflicting classifications (1 of 4 stars). 4 submissions from 4 submitters: Uncertain significance (1); Likely benign (2). 1 of the submissions does not count toward it. Last evaluated 2026-02-02.

Conditions:
Cystic fibrosis (CF). Also called: MUCOVISCIDOSIS. Identifiers: Orphanet 586, MedGen C0010674, MONDO:0009061, OMIM 219700. Disease mechanism: loss of function.

Submissions (4):

Labcorp Genetics (formerly Invitae), Labcorp
Classification: Likely benign for Cystic fibrosis. Last evaluated: 2026-02-02. Review status: criteria provided, single submitter. Criteria: Invitae Variant Classification Sherloc (09022015). Collection method: clinical testing. Allele origin: germline.

Mayo Clinic Laboratories, Mayo Clinic
Classification: Likely benign. Last evaluated: 2025-06-12. Review status: criteria provided, single submitter. Criteria: ACMG Guidelines, 2015. Collection method: clinical testing. Allele origin: germline. Observed: 2 variant alleles.
Comment: BP4, BP7

Quest Diagnostics Nichols Institute San Juan Capistrano
Classification: Uncertain significance. Last evaluated: 2025-02-07. Review status: criteria provided, single submitter. Criteria: Quest Diagnostics criteria. Collection method: clinical testing. Allele origin: unknown.
Comment: The CFTR c.1680-871_1680-870delinsGA variant has not been reported in individuals with CFTR-related conditions in the published literature. It also has not been reported in large, multi-ethnic general populations (Genome Aggregation Database). Analysis of this variant using software algorithms for the prediction of the effect of nucleotide changes on splicing yielded predictions that this variant does not affect CFTR mRNA splicing. Based on the available information, we are unable to determine the clinical significance of this variant.

Laboratory for Molecular Medicine, Mass General Brigham Personalized Medicine
No classification provided. Last evaluated: 2015-05-11. Review status: no classification provided. Collection method: clinical testing. Allele origin: germline. Observed: 2 variant alleles. Not counted in ClinVar's aggregate classification.